The following is an entry in ClinVar:

ClinVar aggregate classification (germline): Uncertain significance (1 of 4 stars; one submission).

Submission:

Labcorp Genetics (formerly Invitae), Labcorp
Classification: Uncertain significance. Last evaluated: 2023-12-12. Review status: criteria provided, single submitter. Criteria: Invitae Variant Classification Sherloc (09022015). Collection method: clinical testing. Allele origin: germline.
Comment: This sequence change replaces serine, which is neutral and polar, with glycine, which is neutral and non-polar, at codon 717 of the CPLANE1 protein (p.Ser717Gly). This variant is not present in population databases (gnomAD no frequency). This variant has not been reported in the literature in individuals affected with CPLANE1-related conditions. Advanced modeling of protein sequence and biophysical properties (such as structural, functional, and spatial information, amino acid conservation, physicochemical variation, residue mobility, and thermodynamic stability) performed at Invitae indicates that this missense variant is not expected to disrupt CPLANE1 protein function with a negative predictive value of 95%. In summary, the available evidence is currently insufficient to determine the role of this variant in disease. Therefore, it has been classified as a Variant of Uncertain Significance.

NM_001384732.1(CPLANE1):c.2149A>G (p.Ser717Gly)

Gene: CPLANE1 (ciliogenesis and planar polarity effector complex subunit 1; minus strand). Cytogenetic location: 5p13.2.
Variant type: single nucleotide variant.
Coding change: c.2149A>G on transcript NM_001384732.1 (MANE Select); coding-DNA position 2149, A replaced by G.
Protein change: p.Ser717Gly; replaces serine 717 with glycine.
Molecular consequence: missense variant.
Genome position (GRCh38, 1-based): chr5:37,226,446, T>C on the plus strand (A>G on the coding strand, the complement: CPLANE1 is on the minus strand). VCF-style: chr5-37226446-T-C. GRCh37 (hg19) VCF-style: chr5-37226548-T-C.
Other names: c.2149A>G, p.Ser717Gly (NM_023073.4); short protein forms S717G.
Identifiers: ClinVar variation 2917581 (VCV002917581.3), dbSNP rs2548578884, ClinGen allele CA359495782.
Genomic context (GRCh38, chr5:37,226,446, plus strand): 5'-CACTATCTTGAAACATCTGAAAAATAGGTACCACCAATGAGTCTTGAGCTGTTATTTTAC[T>C]TCCATCAGCTGATGCTGAAATAACTTCAGGTTGAAGAATGTATACACCATTTAAATTGTC-3'
Protein context (NP_001371661.1, residues 707-727): PEVISASADG[Ser717Gly]KITAQDSLVV